The following is an entry in ClinVar:

NM_173630.4(RTTN):c.3617A>G (p.Gln1206Arg)

Gene: RTTN (rotatin; minus strand). Cytogenetic location: 18q22.2.
Variant type: single nucleotide variant.
Coding change: c.3617A>G on transcript NM_173630.4 (MANE Select); coding-DNA position 3617, A replaced by G.
Protein change: p.Gln1206Arg; replaces glutamine 1206 with arginine.
Molecular consequence: missense variant.
Genome position (GRCh38, 1-based): chr18:70,114,511, T>C on the plus strand (A>G on the coding strand, the complement: RTTN is on the minus strand). VCF-style: chr18-70114511-T-C. GRCh37 (hg19) VCF-style: chr18-67781747-T-C.
Other names: c.881A>G, p.Gln294Arg (NM_001318520.2); short protein forms Q1206R, Q294R.
Identifiers: ClinVar variation 3698569 (VCV003698569.2).

ClinVar aggregate classification (germline): Uncertain significance (1 of 4 stars; one submission).

gnomAD v4.1: 3 of 1,613,720 alleles (0.00019%); highest among the groups gnomAD compares: Admixed American, 0.005%; no homozygotes.

Submission:

Labcorp Genetics (formerly Invitae), Labcorp
Classification: Uncertain significance. Last evaluated: 2024-03-12. Review status: criteria provided, single submitter. Criteria: Invitae Variant Classification Sherloc (09022015). Collection method: clinical testing. Allele origin: germline.
Comment: This sequence change replaces glutamine, which is neutral and polar, with arginine, which is basic and polar, at codon 1206 of the RTTN protein (p.Gln1206Arg). This variant is present in population databases (rs764604113, gnomAD 0.009%). This variant has not been reported in the literature in individuals affected with RTTN-related conditions. Advanced modeling of protein sequence and biophysical properties (such as structural, functional, and spatial information, amino acid conservation, physicochemical variation, residue mobility, and thermodynamic stability) performed at Invitae indicates that this missense variant is not expected to disrupt RTTN protein function with a negative predictive value of 80%. In summary, the available evidence is currently insufficient to determine the role of this variant in disease. Therefore, it has been classified as a Variant of Uncertain Significance.